The following is an entry in ClinVar:

ClinVar aggregate classification (germline): Likely pathogenic (1 of 4 stars; one submission).

Submission:

GeneDx
Classification: Likely pathogenic. Last evaluated: 2019-06-26. Review status: criteria provided, single submitter. Criteria: GeneDx Variant Classification Process June 2021. Collection method: clinical testing. Allele origin: germline. Affected: yes.
Comment: Nonsense variant predicted to result in protein truncation or nonsense mediated decay in a gene for which loss-of-function is a known mechanism of disease; Not observed in large population cohorts (Lek et al., 2016); Has not been previously published as pathogenic or benign to our knowledge

NM_001384125.1(BLTP1):c.7096C>T (p.Gln2366Ter)

Gene: BLTP1 (bridge-like lipid transfer protein family member 1; plus strand). Cytogenetic location: 4q27.
Variant type: single nucleotide variant.
Coding change: c.7096C>T on transcript NM_001384125.1 (MANE Select); coding-DNA position 7096, C replaced by T.
Protein change: p.Gln2366Ter; replaces glutamine 2366 with a stop codon.
Molecular consequence: nonsense.
Genome position (GRCh38, 1-based): chr4:122,263,555, C>T. VCF-style: chr4-122263555-C-T. GRCh37 (hg19) VCF-style: chr4-123184710-C-T.
Other names: c.7096C>T, p.Gln2366Ter (NM_015312.4); short protein forms Q2366*.
Identifiers: ClinVar variation 1205698 (VCV001205698.4), dbSNP rs2149077237, ClinGen allele CA358065426.